The following is an entry in ClinVar:

NM_001372.4(DNAH9):c.2430T>C (p.Asn810=)

Gene: DNAH9 (dynein axonemal heavy chain 9; plus strand). Cytogenetic location: 17p12.
Variant type: single nucleotide variant.
Coding change: c.2430T>C on transcript NM_001372.4 (MANE Select); coding-DNA position 2430, T replaced by C.
Protein change: p.Asn810=; no amino-acid change (asparagine 810 retained).
Molecular consequence: synonymous variant.
Genome position (GRCh38, 1-based): chr17:11,652,837, T>C. VCF-style: chr17-11652837-T-C. GRCh37 (hg19) VCF-style: chr17-11556154-T-C.
Identifiers: ClinVar variation 2576178 (VCV002576178.1), dbSNP rs1414090730, ClinGen allele CA497872066.

ClinVar aggregate classification (germline): Uncertain significance (1 of 4 stars; one submission).

Allele frequency attached by ClinVar (database versions not stated): gnomAD exomes below 0.00001.
gnomAD v4.1: 2 of 1,613,918 alleles (0.00012%); highest among the groups gnomAD compares: Non-Finnish European, 0.00017%; no homozygotes.

Submission:

Institute for Clinical Genetics, University Hospital TU Dresden, University Hospital TU Dresden
Classification: Uncertain significance. Last evaluated: 2021-11-15. Review status: criteria provided, single submitter. Criteria: ACMG Guidelines, 2015. Collection method: clinical testing. Allele origin: maternal.
Comment: PM2_SUP, BP7